The following is an entry in ClinVar:

ClinVar aggregate classification (germline): Uncertain significance. Review status: criteria provided, multiple submitters, no conflicts (2 of 4 stars). 2 submissions from 2 submitters: Uncertain significance (2). Last evaluated 2024-11-16.

Conditions:
Bohring-Opitz syndrome. Also called: C-LIKE SYNDROME; BOHRING SYNDROME; OPITZ TRIGONOCEPHALY-LIKE SYNDROME; ASXL1-Related Bohring-Opitz Syndrome. Identifiers: Orphanet 97297, MedGen C0796232, MONDO:0011510, OMIM 605039.

Allele frequency attached by ClinVar (database versions not stated): ExAC 0.00002; gnomAD exomes below 0.00001.
gnomAD v4.1: 2 of 1,614,218 alleles (0.00012%); highest among the groups gnomAD compares: Admixed American, 0.0033%; no homozygotes.

Submissions (2):

Labcorp Genetics (formerly Invitae), Labcorp
Classification: Uncertain significance. Last evaluated: 2024-11-16. Review status: criteria provided, single submitter. Criteria: Invitae Variant Classification Sherloc (09022015). Collection method: clinical testing. Allele origin: germline.
Comment: This sequence change replaces glycine, which is neutral and non-polar, with serine, which is neutral and polar, at codon 1283 of the ASXL1 protein (p.Gly1283Ser). This variant is present in population databases (rs751259103, gnomAD 0.006%). This variant has not been reported in the literature in individuals affected with ASXL1-related conditions. ClinVar contains an entry for this variant (Variation ID: 2439270). An algorithm developed to predict the effect of missense changes on protein structure and function (PolyPhen-2) suggests that this variant is likely to be disruptive. In summary, the available evidence is currently insufficient to determine the role of this variant in disease. Therefore, it has been classified as a Variant of Uncertain Significance.

Revvity Omics, Revvity
Classification: Uncertain significance for Bohring-Opitz syndrome. Last evaluated: 2022-03-03. Review status: criteria provided, single submitter. Criteria: ACMG Guidelines, 2015. Collection method: clinical testing. Allele origin: germline.

NM_015338.6(ASXL1):c.3847G>A (p.Gly1283Ser)

Gene: ASXL1 (ASXL transcriptional regulator 1; plus strand). Cytogenetic location: 20q11.21.
Variant type: single nucleotide variant.
Coding change: c.3847G>A on transcript NM_015338.6 (MANE Select); coding-DNA position 3847, G replaced by A.
Protein change: p.Gly1283Ser; replaces glycine 1283 with serine.
Molecular consequence: missense variant.
Genome position (GRCh38, 1-based): chr20:32,436,559, G>A. VCF-style: chr20-32436559-G-A. GRCh37 (hg19) VCF-style: chr20-31024362-G-A.
Other names: c.3664G>A, p.Gly1222Ser (NM_001363734.1); short protein forms G1222S, G1283S.
Identifiers: ClinVar variation 2439270 (VCV002439270.5), dbSNP rs751259103, ClinGen allele CA9808914.